The following is an entry in ClinVar:

ClinVar aggregate classification (germline): Uncertain significance (1 of 4 stars; one submission).

Submission:

GeneDx
Classification: Uncertain significance. Last evaluated: 2022-10-12. Review status: criteria provided, single submitter. Criteria: GeneDx Variant Classification Process June 2021. Collection method: clinical testing. Allele origin: germline. Affected: yes.
Comment: Not observed at significant frequency in large population cohorts (gnomAD); In silico analysis supports that this missense variant does not alter protein structure/function; Has not been previously published as pathogenic or benign to our knowledge

NM_014727.3(KMT2B):c.1350A>C (p.Gln450His)

Gene: KMT2B (lysine methyltransferase 2B; plus strand). Cytogenetic location: 19q13.12.
Variant type: single nucleotide variant.
Coding change: c.1350A>C on transcript NM_014727.3 (MANE Select); coding-DNA position 1350, A replaced by C.
Protein change: p.Gln450His; replaces glutamine 450 with histidine.
Molecular consequence: missense variant.
Genome position (GRCh38, 1-based): chr19:35,720,697, A>C. VCF-style: chr19-35720697-A-C. GRCh37 (hg19) VCF-style: chr19-36211599-A-C.
Other names: short protein forms Q450H.
Identifiers: ClinVar variation 2499408 (VCV002499408.1), dbSNP rs2513314993, ClinGen allele CA405390399.